The following is an entry in ClinVar:

NM_001378454.1(ALMS1):c.9628G>A (p.Glu3210Lys)

Gene: ALMS1 (ALMS1 centrosome and basal body associated protein; plus strand). Cytogenetic location: 2p13.1.
Variant type: single nucleotide variant.
Coding change: c.9628G>A on transcript NM_001378454.1 (MANE Select); coding-DNA position 9628, G replaced by A.
Protein change: p.Glu3210Lys; replaces glutamic acid 3210 with lysine.
Molecular consequence: missense variant.
Genome position (GRCh38, 1-based): chr2:73,519,863, G>A. VCF-style: chr2-73519863-G-A. GRCh37 (hg19) VCF-style: chr2-73746990-G-A.
Other names: c.9631G>A, p.Glu3211Lys (NM_015120.4); short protein forms E3211K, E3210K.
Identifiers: ClinVar variation 1441141 (VCV001441141.5), dbSNP rs961373884, ClinGen allele CA50397763.
Genomic context (GRCh38, chr2:73,519,863, plus strand): 5'-TCTGCTTTCTCTGAAAAATTGTCATCTGATGCAGTCACTCAGATAACAACAGAAAGTCCA[G>A]AAAAGACCCTATTTTCATCTGAGATTTTTATTAATGCTGAAGATCGTGGACATGAAATTA-3'
Protein context (NP_001365383.1, residues 3200-3220): AVTQITTESP[Glu3210Lys]KTLFSSEIFI

ClinVar aggregate classification (germline): Uncertain significance (1 of 4 stars; one submission).

Conditions:
Alstrom syndrome (ALMS). Identifiers: Orphanet 64, MedGen C0268425, MONDO:0008763, OMIM 203800.

Allele frequency attached by ClinVar (database versions not stated): gnomAD 0.00001; gnomAD exomes 0.00001.

Submission:

Labcorp Genetics (formerly Invitae), Labcorp
Classification: Uncertain significance for Alstrom syndrome. Last evaluated: 2024-03-01. Review status: criteria provided, single submitter. Criteria: Invitae Variant Classification Sherloc (09022015). Collection method: clinical testing. Allele origin: germline.
Comment: This sequence change replaces glutamic acid, which is acidic and polar, with lysine, which is basic and polar, at codon 3211 of the ALMS1 protein (p.Glu3211Lys). This variant is present in population databases (no rsID available, gnomAD 0.007%). This variant has not been reported in the literature in individuals affected with ALMS1-related conditions. ClinVar contains an entry for this variant (Variation ID: 1441141). Experimental studies and prediction algorithms are not available or were not evaluated, and the functional significance of this variant is currently unknown. In summary, the available evidence is currently insufficient to determine the role of this variant in disease. Therefore, it has been classified as a Variant of Uncertain Significance.